The following is an entry in ClinVar:

NM_017534.6(MYH2):c.600A>G (p.Ala200=)

Genes: MYHAS (myosin heavy chain gene cluster antisense RNA; plus strand), MYH2 (myosin heavy chain 2; minus strand), LOC126862501 (CDK7 strongly-dependent group 2 enhancer GRCh37_chr17:10446256-10447455; plus strand). Cytogenetic location: 17p13.1.
Variant type: single nucleotide variant.
Coding change: c.600A>G on transcript NM_017534.6 (MANE Select); coding-DNA position 600, A replaced by G.
Protein change: p.Ala200=; no amino-acid change (alanine 200 retained).
Molecular consequence: synonymous variant.
Genome position (GRCh38, 1-based): chr17:10,543,950, T>C on the plus strand (A>G on the coding strand, the complement: MYH2 is on the minus strand). VCF-style: chr17-10543950-T-C. GRCh37 (hg19) VCF-style: chr17-10447267-T-C.
Other names: c.600A>G, p.Ala200= (NM_001100112.2).
Identifiers: ClinVar variation 1637463 (VCV001637463.21), dbSNP rs199961294, ClinGen allele CA8391588.
Genomic context (GRCh38, chr17:10,543,950, plus strand): 5'-AATCAGACTCACCTGTATTTTGCCAGAAGTAATTTCTTCCTTCTTCTTCTCACCAGTAAC[T>C]GCAATTGTTGCAAAGTACTGGATGACACGCTTGGTGTTCACAGTCTTCCCTGCACCAGAT-3'
Protein context (NP_060004.3, residues 190-210): KRVIQYFATI[Ala200=]VTGEKKKEEI

ClinVar aggregate classification (germline): Likely benign. Review status: criteria provided, multiple submitters, no conflicts (2 of 4 stars). 2 submissions from 2 submitters: Likely benign (2). Last evaluated 2025-11-03.

Conditions:
Myopathy, proximal, and ophthalmoplegia (CMYO6). Also called: MYOPATHY WITH CONGENITAL JOINT CONTRACTURES, OPHTHALMOPLEGIA, AND RIMMED VACUOLES; INCLUSION BODY MYOPATHY 3, AUTOSOMAL DOMINANT; CONGENITAL MYOPATHY 6 WITH OPHTHALMOPLEGIA. Identifiers: Orphanet 363677, Orphanet 79091, MedGen C1854106, MONDO:0011577, OMIM 605637.

Allele frequency attached by ClinVar (database versions not stated): gnomAD exomes 0.00001 and 0.00003; ExAC 0.00002; gnomAD 0.00004 and 0.00006; TOPMed 0.00005.
gnomAD v4.1: 51 of 1,614,096 alleles (0.0032%); highest among the groups gnomAD compares: Non-Finnish European, 0.0042%; no homozygotes.

Submissions (2):

Labcorp Genetics (formerly Invitae), Labcorp
Classification: Likely benign for Myopathy, proximal, and ophthalmoplegia. Last evaluated: 2025-11-03. Review status: criteria provided, single submitter. Criteria: Invitae Variant Classification Sherloc (09022015). Collection method: clinical testing. Allele origin: germline.

CeGaT Center for Human Genetics Tuebingen
Classification: Likely benign. Last evaluated: 2024-12-01. Review status: criteria provided, single submitter. Criteria: CeGaT Center For Human Genetics Tuebingen Variant Classification Criteria Version 2. Collection method: clinical testing. Allele origin: germline. Affected: yes. Observed: 1 variant allele.
Comment: MYH2: BP4, BP7